The following is an entry in ClinVar:

NM_000128.4(F11):c.981C>A (p.Cys327Ter)

Gene: F11 (coagulation factor XI; plus strand). Cytogenetic location: 4q35.2.
Variant type: single nucleotide variant.
Coding change: c.981C>A on transcript NM_000128.4 (MANE Select); coding-DNA position 981, C replaced by A.
Protein change: p.Cys327Ter; replaces cysteine 327 with a stop codon.
Molecular consequence: nonsense.
Genome position (GRCh38, 1-based): chr4:186,280,338, C>A. VCF-style: chr4-186280338-C-A. GRCh37 (hg19) VCF-style: chr4-187201492-C-A.
Other names: short protein forms C327*.
Identifiers: ClinVar variation 2734693 (VCV002734693.6), dbSNP rs1183995627, ClinGen allele CA358938173.

ClinVar aggregate classification (germline): Pathogenic/Likely pathogenic. Review status: criteria provided, multiple submitters, no conflicts (2 of 4 stars). 4 submissions from 4 submitters: Pathogenic (3); Likely pathogenic (1). Last evaluated 2026-09-08.

Conditions:
Hereditary factor XI deficiency disease. Also called: PLASMA THROMBOPLASTIN ANTECEDENT DEFICIENCY; PTA DEFICIENCY; ROSENTHAL SYNDROME; Congenital factor XI deficiency. Identifiers: Orphanet 329, MedGen C0015523, MeSH D005173, MONDO:0012897, OMIM 612416.
F11-related disorders.
Plasma factor XI deficiency.

Allele frequency attached by ClinVar (database versions not stated): gnomAD exomes below 0.00001; TOPMed 0.00001.
gnomAD v4.1: 7 of 1,614,204 alleles (0.00043%); highest among the groups gnomAD compares: South Asian, 0.0011%; no homozygotes.

Submissions (4):

Myriad Genetics, Inc.
Classification: Pathogenic for Hereditary factor XI deficiency disease. Last evaluated: 2026-09-08. Review status: criteria provided, single submitter. Criteria: Myriad Autosomal Dominant, Autosomal Recessive and X-Linked Classification Criteria (2023). Collection method: clinical testing. Allele origin: unknown.
Comment: NM_000128.3(F11):c.981C>A(C327*) is a nonsense variant classified as pathogenic in the context of factor XI deficiency. C327* has been observed in cases with relevant disease (PMID: 18515884). Relevant functional assessments of this variant are not available in the literature. C327* has been observed in referenced population frequency databases. In summary, NM_000128.3(F11):c.981C>A(C327*) is a nonsense variant in a gene where loss of function is a known mechanism of disease, is predicted to disrupt protein function, and has been observed more frequently in cases with the relevant disease than in healthy populations. Please note: this variant was assessed in the context of healthy population screening.

Natera, Inc.
Classification: Pathogenic for Plasma factor XI deficiency. Last evaluated: 2025-12-30. Review status: criteria provided, single submitter. Criteria: Natera Variant Classification Schema (03/2026). Collection method: clinical testing. Allele origin: germline.
Comment: The c.981C>A variant in F11 is a nonsense variant predicted to introduce a stop codon at amino acid 327. This variant is expected to result in nonsense mediated decay, truncation, or a dysfunctional protein product. This variant is rare in the general population with a frequency below the threshold expected for the associated phenotype(s). This variant has been observed in one or more individuals affected with the associated recessive disease, as either homozygous or compound heterozygous with a second variant (PMID: 18515884). Given the available evidence, this variant is classified as Pathogenic.

Blueprint Genetics
Classification: Likely pathogenic for F11-related disorders. Last evaluated: 2024-02-02. Review status: criteria provided, single submitter. Criteria: ACMG Guidelines, 2015. Collection method: clinical testing. Allele origin: germline. Affected: yes. Observed: 3 variant alleles.

Labcorp Genetics (formerly Invitae), Labcorp
Classification: Pathogenic. Last evaluated: 2023-12-22. Review status: criteria provided, single submitter. Criteria: Invitae Variant Classification Sherloc (09022015). Collection method: clinical testing. Allele origin: germline.
Comment: This sequence change creates a premature translational stop signal (p.Cys327*) in the F11 gene. It is expected to result in an absent or disrupted protein product. Loss-of-function variants in F11 are known to be pathogenic (PMID: 23929304). This variant is present in population databases (no rsID available, gnomAD 0.0009%). This premature translational stop signal has been observed in individual(s) with clinical features of FXI deficiency (PMID: 18515884). This variant is also known as C309X. Algorithms developed to predict the effect of sequence changes on RNA splicing suggest that this variant may disrupt the consensus splice site. For these reasons, this variant has been classified as Pathogenic.

Literature cited by the submitters: PubMed 18515884 (cited by 3 submitters); PubMed 23929304 (cited by Labcorp Genetics (formerly Invitae), Labcorp).